The following is an entry in ClinVar:

ClinVar aggregate classification (germline): Uncertain significance (1 of 4 stars; one submission).

Submission:

GeneDx
Classification: Uncertain significance. Last evaluated: 2024-03-04. Review status: criteria provided, single submitter. Criteria: GeneDx Variant Classification Process June 2021. Collection method: clinical testing. Allele origin: germline. Affected: yes.
Comment: Not observed at significant frequency in large population cohorts (gnomAD); In silico analysis supports that this missense variant has a deleterious effect on protein structure/function; Has not been previously published as pathogenic or benign to our knowledge

NM_002911.4(UPF1):c.1595A>G (p.Glu532Gly)

Gene: UPF1 (UPF1 RNA helicase and ATPase; plus strand). Cytogenetic location: 19p13.11.
Variant type: single nucleotide variant.
Coding change: c.1595A>G on transcript NM_002911.4 (MANE Select); coding-DNA position 1595, A replaced by G.
Protein change: p.Glu532Gly; replaces glutamic acid 532 with glycine.
Molecular consequence: missense variant.
Genome position (GRCh38, 1-based): chr19:18,855,975, A>G. VCF-style: chr19-18855975-A-G. GRCh37 (hg19) VCF-style: chr19-18966784-A-G.
Other names: c.1628A>G, p.Glu543Gly (NM_001297549.2); short protein forms E532G, E543G.
Identifiers: ClinVar variation 3373664 (VCV003373664.1).
Genomic context (GRCh38, chr19:18,855,975, plus strand): 5'-GGTGTTGCAGGCCGGTGCTGGTGTGTGCTCCGAGCAACATCGCCGTGGACCAGCTAACGG[A>G]GAAGATCCACCAGACGGGGCTAAAGGTCGTGCGCCTCTGCGCCAAGAGCCGTGAGGCCAT-3'
Protein context (NP_002902.2, residues 522-542): PSNIAVDQLT[Glu532Gly]KIHQTGLKVV